The following is an entry in ClinVar:

ClinVar aggregate classification (germline): Uncertain significance (1 of 4 stars; one submission).

Conditions:
Cohen syndrome (COH1). Also called: PEPPER SYNDROME; Cutis verticis gyrata, retinitis pigmentosa, and sensorineural deafness. Identifiers: Orphanet 193, MedGen C0265223, MONDO:0008999, OMIM 216550.

Submission:

Labcorp Genetics (formerly Invitae), Labcorp
Classification: Uncertain significance for Cohen syndrome. Last evaluated: 2022-02-10. Review status: criteria provided, single submitter. Criteria: Invitae Variant Classification Sherloc (09022015). Collection method: clinical testing. Allele origin: germline.
Comment: Algorithms developed to predict the effect of missense changes on protein structure and function are either unavailable or do not agree on the potential impact of this missense change (SIFT: "Not Available"; PolyPhen-2: "Benign"; Align-GVGD: "Not Available"). In summary, the available evidence is currently insufficient to determine the role of this variant in disease. Therefore, it has been classified as a Variant of Uncertain Significance. ClinVar contains an entry for this variant (Variation ID: 860019). This variant has not been reported in the literature in individuals affected with VPS13B-related conditions. This variant is not present in population databases (gnomAD no frequency). This sequence change replaces isoleucine, which is neutral and non-polar, with leucine, which is neutral and non-polar, at codon 3284 of the VPS13B protein (p.Ile3284Leu).

NM_152564.5(VPS13B):c.9775A>C (p.Ile3259Leu)

Gene: VPS13B (vacuolar protein sorting 13 homolog B; plus strand). Cytogenetic location: 8q22.2.
Variant type: single nucleotide variant.
Coding change: c.9775A>C on transcript NM_152564.5 (MANE Select); coding-DNA position 9775, A replaced by C.
Protein change: p.Ile3259Leu; replaces isoleucine 3259 with leucine.
Molecular consequence: missense variant.
Genome position (GRCh38, 1-based): chr8:99,835,571, A>C. VCF-style: chr8-99835571-A-C. GRCh37 (hg19) VCF-style: chr8-100847799-A-C.
Other names: c.9850A>C, p.Ile3284Leu (NM_017890.5); short protein forms I3259L, I3284L.
Identifiers: ClinVar variation 860019 (VCV000860019.9), dbSNP rs1425945549, ClinGen allele CA371783722.
Genomic context (GRCh38, chr8:99,835,571, plus strand): 5'-TCTGCATATGCCTTTTTTAAAATTTCAGATATTCCAAAGTTTGAGGTTTATTGCAAAAAA[A>C]TTCCCTCCGAGTGCTCAATTCATCATGAGCTGTATCATCAGATTTCCAGTTATCCGGACT-3'
Protein context (NP_689777.3, residues 3249-3269): IPKFEVYCKK[Ile3259Leu]PSECSIHHEL